The following is an entry in ClinVar:

ClinVar aggregate classification (germline): Uncertain significance (1 of 4 stars; one submission).

Submission:

Labcorp Genetics (formerly Invitae), Labcorp
Classification: Uncertain significance. Last evaluated: 2021-09-28. Review status: criteria provided, single submitter. Criteria: Invitae Variant Classification Sherloc (09022015). Collection method: clinical testing. Allele origin: germline.
Comment: This sequence change falls in intron 30 of the POLE gene. It does not directly change the encoded amino acid sequence of the POLE protein. It affects a nucleotide within the consensus splice site of the intron. This variant is not present in population databases (ExAC no frequency). This variant has not been reported in the literature in individuals affected with POLE-related conditions. Variants that disrupt the consensus splice site are a relatively common cause of aberrant splicing (PMID: 17576681, 9536098). Algorithms developed to predict the effect of sequence changes on RNA splicing suggest that this variant may disrupt the consensus splice site. In summary, the available evidence is currently insufficient to determine the role of this variant in disease. Therefore, it has been classified as a Variant of Uncertain Significance.

Literature cited by the submitters: PubMed 17576681; PubMed 9536098.

NM_006231.4(POLE):c.3795+3_3795+4dup

Gene: POLE (DNA polymerase epsilon, catalytic subunit; minus strand). Cytogenetic location: 12q24.33.
Variant type: Duplication.
Coding change: c.3795+3_3795+4dup on transcript NM_006231.4 (MANE Select); bases 3 to 4 of the intron after coding-DNA position 3795, 2 bases duplicated (AA; older notation c.3795+3_3795+4dupAA).
Molecular consequence: intron variant.
Genome position (GRCh38, 1-based): chr12:132,649,673-132,649,674, TT duplicated on the plus strand (AA on the coding strand, the reverse complement: POLE is on the minus strand). VCF-style (leftmost placement, unchanged base first): chr12-132649672-C-CTT. GRCh37 (hg19) VCF-style: chr12-133226258-C-CTT.
Identifiers: ClinVar variation 1477756 (VCV001477756.6), dbSNP rs2138612283, ClinGen allele CA2573148150.